The following is an entry in ClinVar:

NM_020639.3(RIPK4):c.2332C>T (p.Leu778Phe)

Gene: RIPK4 (receptor interacting serine/threonine kinase 4; minus strand). Cytogenetic location: 21q22.3.
Variant type: single nucleotide variant.
Coding change: c.2332C>T on transcript NM_020639.3 (MANE Select); coding-DNA position 2332, C replaced by T.
Protein change: p.Leu778Phe; replaces leucine 778 with phenylalanine.
Molecular consequence: missense variant.
Genome position (GRCh38, 1-based): chr21:41,740,861, G>A on the plus strand (C>T on the coding strand, the complement: RIPK4 is on the minus strand). VCF-style: chr21-41740861-G-A. GRCh37 (hg19) VCF-style: chr21-43161021-G-A.
Other names: short protein forms L778F.
Identifiers: ClinVar variation 1312789 (VCV001312789.3), dbSNP rs373629912, ClinGen allele CA10035067.

ClinVar aggregate classification (germline): Uncertain significance. Review status: criteria provided, multiple submitters, no conflicts (2 of 4 stars). 2 submissions from 2 submitters: Uncertain significance (2). Last evaluated 2025-08-10.

Conditions:
Inborn genetic diseases. Identifiers: MedGen C0950123, MeSH D030342.

Allele frequency attached by ClinVar (database versions not stated): ExAC 0.00002; gnomAD exomes 0.00002 and 0.00003; ESP Exome Variant Server 0.00008; TOPMed 0.00009; gnomAD 0.00010.
gnomAD v4.1: 44 of 1,609,484 alleles (0.0027%); highest among the groups gnomAD compares: African/African-American, 0.048%; no homozygotes.

Submissions (2):

Ambry Genetics
Classification: Uncertain significance for Inborn genetic diseases. Last evaluated: 2025-08-10. Review status: criteria provided, single submitter. Criteria: Ambry Variant Classification Scheme 2023. Collection method: clinical testing. Allele origin: germline.

GeneDx
Classification: Uncertain significance. Last evaluated: 2020-06-23. Review status: criteria provided, single submitter. Criteria: GeneDx Variant Classification Process June 2021. Collection method: clinical testing. Allele origin: germline. Affected: yes.
Comment: In silico analysis supports that this missense variant does not alter protein structure/function; Has not been previously published as pathogenic or benign to our knowledge